The following is an entry in ClinVar:

ClinVar aggregate classification (germline): Uncertain significance (1 of 4 stars; one submission).

Conditions:
Epidermolysis bullosa simplex with nail dystrophy (EBS5D). Identifiers: MedGen C4225309, MONDO:0014661, OMIM 616487.
Epidermolysis bullosa simplex, Ogna type (EBS5A). Also called: EPIDERMOLYSIS BULLOSA SIMPLEX 5A, OGNA TYPE; Pidermolysis bullosa simplex 5A, Ogna type. Identifiers: Orphanet 79401, MedGen C0432317, MONDO:0007555, OMIM 131950.
Autosomal recessive limb-girdle muscular dystrophy type 2Q (LGMDR17). Also called: MUSCULAR DYSTROPHY, LIMB-GIRDLE, AUTOSOMAL RECESSIVE 17. Identifiers: Orphanet 254361, MedGen C3150989, MONDO:0013390, OMIM 613723.
Epidermolysis bullosa simplex 5B, with muscular dystrophy (EBS5B). Also called: EPIDERMOLYSIS BULLOSA SIMPLEX AND LIMB-GIRDLE MUSCULAR DYSTROPHY; Epidermolysis bullosa simplex with muscular dystrophy. Identifiers: Orphanet 257, MedGen C2931072, MONDO:0009181, OMIM 226670.
Epidermolysis bullosa simplex 5C, with pyloric atresia (EBS5C). Also called: PLEC1-Related Epidermolysis Bullosa with Pyloric Atresia; PLEC-Related Epidermolysis Bullosa with Pyloric Atresia; Epidermolysis bullosa simplex with pyloric atresia. Identifiers: Orphanet 158684, MedGen C2677349, MONDO:0012807, OMIM 612138.

Submission:

Labcorp Genetics (formerly Invitae), Labcorp
Classification: Uncertain significance for Autosomal recessive limb-girdle muscular dystrophy type 2Q; Epidermolysis bullosa simplex, Ogna type; Epidermolysis bullosa simplex with nail dystrophy; Epidermolysis bullosa simplex 5C, with pyloric atresia; Epidermolysis bullosa simplex 5B, with muscular dystrophy. Last evaluated: 2024-08-05. Review status: criteria provided, single submitter. Criteria: Invitae Variant Classification Sherloc (09022015). Collection method: clinical testing. Allele origin: germline.
Comment: This variant, c.6685_6699del, results in the deletion of 5 amino acid(s) of the PLEC protein (p.Lys2229_Asp2233del), but otherwise preserves the integrity of the reading frame. This variant is present in population databases (no rsID available, gnomAD 0.003%). This variant has not been reported in the literature in individuals affected with PLEC-related conditions. Experimental studies and prediction algorithms are not available or were not evaluated, and the functional significance of this variant is currently unknown. In summary, the available evidence is currently insufficient to determine the role of this variant in disease. Therefore, it has been classified as a Variant of Uncertain Significance.

NM_201384.3(PLEC):c.6604_6618del (p.Lys2202_Asp2206del)

Gene: PLEC (plectin; minus strand). Cytogenetic location: 8q24.3.
Variant type: Deletion.
Coding change: c.6604_6618del on transcript NM_201384.3 (MANE Select); coding-DNA positions 6604 to 6618, 15 bases deleted (AAGAACCTGCTGGAC).
Protein change: p.Lys2202_Asp2206del.
Molecular consequence: inframe deletion. On other transcripts: intron variant (1).
Genome position (GRCh38, 1-based): chr8:143,923,311-143,923,325, GTCCAGCAGGTTCTT deleted on the plus strand (AAGAACCTGCTGGAC on the coding strand, the reverse complement: PLEC is on the minus strand). VCF-style (leftmost placement, unchanged base first): chr8-143923310-CGTCCAGCAGGTTCTT-C. GRCh37 (hg19) VCF-style: chr8-144997478-CGTCCAGCAGGTTCTT-C.
Other names: c.7015_7029del, p.Lys2339_Asp2343del (NM_201380.4); c.6508_6522del, p.Lys2170_Asp2174del (NM_201381.3); c.6604_6618del, p.Lys2202_Asp2206del (NM_201382.4); c.6616_6630del, p.Lys2206_Asp2210del (NM_201383.3); c.4126-930_4126-916del (NM_001410941.1); c.6685_6699del, p.Lys2229_Asp2233del (NM_000445.5); c.6562_6576del, p.Lys2188_Asp2192del (NM_201378.4); c.6538_6552del, p.Lys2180_Asp2184del (NM_201379.3).
Identifiers: ClinVar variation 3761187 (VCV003761187.2).
Genomic context (GRCh38, chr8:143,923,310, plus strand): 5'-CCACCTGGCTGCGCTGGCGTGCGGCCTCCGTGGCCTCCGCCTTCAGCCGCTGCAGCTCCT[CGTCCAGCAGGTTCTT>C]CTGGTGGTCGGTCTCCTCCAGCTGCAGCCGCAGTGTTGTCAGCTCCTGCTCCACCTGCGC-3'